The following is an entry in ClinVar:

ClinVar aggregate classification (germline): Likely benign (1 of 4 stars; one submission).

Submission:

GeneDx
Classification: Likely benign. Last evaluated: 2016-03-31. Review status: criteria provided, single submitter. Criteria: GeneDx Variant Classification (06012015). Collection method: clinical testing. Allele origin: germline. Affected: yes.
Comment: This variant is considered likely benign or benign based on one or more of the following criteria: it is a conservative change, it occurs at a poorly conserved position in the protein, it is predicted to be benign by multiple in silico algorithms, and/or has population frequency not consistent with disease.

NM_014391.3(ANKRD1):c.850-7T>G

Gene: ANKRD1 (ankyrin repeat domain 1; minus strand). Cytogenetic location: 10q23.31.
Variant type: single nucleotide variant.
Coding change: c.850-7T>G on transcript NM_014391.3 (MANE Select); 7 bases into the intron before coding-DNA position 850, T replaced by G.
Molecular consequence: intron variant.
Genome position (GRCh38, 1-based): chr10:90,912,983, A>C on the plus strand (T>G on the coding strand, the complement: ANKRD1 is on the minus strand). VCF-style: chr10-90912983-A-C. GRCh37 (hg19) VCF-style: chr10-92672740-A-C.
Identifiers: ClinVar variation 385260 (VCV000385260.1), dbSNP rs1057522164, ClinGen allele CA16606113.